The following is an entry in ClinVar:

ClinVar aggregate classification (germline): Conflicting classifications of pathogenicity. Review status: criteria provided, conflicting classifications (1 of 4 stars). 3 submissions from 3 submitters: Uncertain significance (2); Likely benign (1). Last evaluated 2025-12-24.

Allele frequency attached by ClinVar (database versions not stated): ESP Exome Variant Server 0.00008; 1000 Genomes Project 30x 0.00047; 1000 Genomes Project 0.00060.
gnomAD v4.1: 185 of 1,613,958 alleles (0.011%); highest among the groups gnomAD compares: Admixed American, 0.19%; no homozygotes.

Submissions (3):

Labcorp Genetics (formerly Invitae), Labcorp
Classification: Likely benign. Last evaluated: 2025-12-24. Review status: criteria provided, single submitter. Criteria: Invitae Variant Classification Sherloc (09022015). Collection method: clinical testing. Allele origin: germline.

Mayo Clinic Laboratories, Mayo Clinic
Classification: Uncertain significance. Last evaluated: 2024-03-21. Review status: criteria provided, single submitter. Criteria: ACMG Guidelines, 2015. Collection method: clinical testing. Allele origin: germline. Observed: 1 variant allele.
Comment: BP4

Ambry Genetics
Classification: Uncertain significance. Last evaluated: 2021-07-15. Review status: criteria provided, single submitter. Criteria: Ambry Variant Classification Scheme 2023. Collection method: clinical testing. Allele origin: germline.

NM_020232.5(PSMG2):c.163A>G (p.Met55Val)

Gene: PSMG2 (proteasome assembly chaperone 2; plus strand). Cytogenetic location: 18p11.21.
Variant type: single nucleotide variant.
Coding change: c.163A>G on transcript NM_020232.5 (MANE Select); coding-DNA position 163, A replaced by G.
Protein change: p.Met55Val; replaces methionine 55 with valine.
Molecular consequence: missense variant.
Genome position (GRCh38, 1-based): chr18:12,706,655, A>G. VCF-style: chr18-12706655-A-G. GRCh37 (hg19) VCF-style: chr18-12706654-A-G.
Other names: p.Met55Val; c.70A>G, p.Met24Val (NM_147163.2); c.163A>G (NM_020232.4); short protein forms M24V, M55V.
Identifiers: ClinVar variation 1571659 (VCV001571659.10), dbSNP rs116940091, ClinGen allele CA8898305.